The following is an entry in ClinVar:

NM_022124.6(CDH23):c.6305G>A (p.Gly2102Glu)

Gene: CDH23 (cadherin related 23; plus strand). Cytogenetic location: 10q22.1.
Variant type: single nucleotide variant.
Coding change: c.6305G>A on transcript NM_022124.6 (MANE Select); coding-DNA position 6305, G replaced by A.
Protein change: p.Gly2102Glu; replaces glycine 2102 with glutamic acid.
Molecular consequence: missense variant.
Genome position (GRCh38, 1-based): chr10:71,793,233, G>A. VCF-style: chr10-71793233-G-A. GRCh37 (hg19) VCF-style: chr10-73552990-G-A.
Other names: short protein forms G2102E.
Identifiers: ClinVar variation 3895969 (VCV003895969.1).

ClinVar aggregate classification (germline): Uncertain significance (1 of 4 stars; one submission).

Submission:

Women's Health and Genetics/Laboratory Corporation of America, LabCorp
Classification: Uncertain significance. Last evaluated: 2025-03-25. Review status: criteria provided, single submitter. Criteria: LabCorp Variant Classification Summary - May 2015. Collection method: clinical testing. Allele origin: germline.
Comment: Variant summary: CDH23 c.6305G>A (p.Gly2102Glu) results in a non-conservative amino acid change in the encoded protein sequence. Four of five in-silico tools predict a damaging effect of the variant on protein function. The variant allele was found at a frequency of 4e-06 in 248648 control chromosomes (gnomAD). The available data on variant occurrences in the general population are insufficient to allow any conclusion about variant significance. c.6305G>A has been reported in the literature in at least an individual affected with Usher Syndrome (Chen_2020). These data do not allow any conclusion about variant significance. To our knowledge, no experimental evidence demonstrating an impact on protein function has been reported. The following publication has been ascertained in the context of this evaluation (PMID: 31872526). No submitters have cited clinical-significance assessments for this variant to ClinVar. Based on the evidence outlined above, the variant was classified as uncertain significance.

Literature cited by the submitters: PubMed 31872526.